The following is an entry in ClinVar:

ClinVar aggregate classification (germline): Pathogenic/Likely pathogenic. Review status: criteria provided, multiple submitters, no conflicts (2 of 4 stars). 6 submissions from 6 submitters: Pathogenic (3); Likely pathogenic (3). Last evaluated 2026-07-31.

Conditions:
Baraitser-Winter syndrome 1 (BRWS1). Also called: Cerebrofrontofacial syndrome; BARAITSER-WINTER SYNDROME 1, ATYPICAL; PACHYGYRIA, MENTAL RETARDATION, EPILEPSY, AND CHARACTERISTIC FACIES; MENTAL RETARDATION WITH EPILEPSY AND CHARACTERISTIC FACIES. Identifiers: Orphanet 2649, Orphanet 2995, MedGen C1855722, MONDO:0009470, OMIM 243310.
Developmental malformations-deafness-dystonia syndrome (DDS1). Identifiers: Orphanet 79107, MedGen C5848323, MONDO:0011823, OMIM 607371.
Congenital smooth muscle hamartoma, with or without hemihypertrophy (CSMH). Identifiers: MedGen C5882676, MONDO:0957564, OMIM 620470.
ACTB-associated syndromic thrombocytopenia (THC8). Also called: THROMBOCYTOPENIA 8, WITH DYSMORPHIC FEATURES AND DEVELOPMENTAL DELAY; THROMBOCYTOPENIA, AUTOSOMAL DOMINANT, 8. Identifiers: Orphanet 674653, MedGen C5882677, MONDO:0100433, OMIM 620475.
Becker nevus syndrome (BNS). Identifiers: Orphanet 64755, MedGen C1858042, MONDO:0011500, OMIM 604919.
Inborn genetic diseases. Identifiers: MedGen C0950123, MeSH D030342.

Submissions (6):

Ambry Genetics
Classification: Pathogenic for Inborn genetic diseases. Last evaluated: 2026-07-31. Review status: criteria provided, single submitter. Criteria: Ambry Variant Classification Scheme 2023. Collection method: clinical testing. Allele origin: germline.
Comment: The c.589G>A (p.G197S) alteration is located in exon 4 (coding exon 3) of the ACTB gene. This alteration results from a G to A substitution at nucleotide position 589, causing the glycine (G) at amino acid position 197 to be replaced by a serine (S). for ACTB-related Baraitser-Winter syndrome; however, its clinical significance for ACTB-related pleiotropic malformation syndrome and ACTB-related syndromic thrombocytopenia is uncertain. This variant was not reported in population-based cohorts in the Genome Aggregation Database (gnomAD). This variant was reported in individual(s) with features consistent with ACTB-related Baraitser-Winter syndrome; in at least one individual, it was determined to be de novo (Ambry internal data; DECIPHER; external communication). This amino acid position is highly conserved in available vertebrate species. This missense variant is located in a region that has a low rate of benign missense variation (Lek, 2016; Firth, 2009). This alteration is predicted to be deleterious by in silico analysis. Based on the available evidence, this alteration is classified as pathogenic.

GeneDx
Classification: Pathogenic. Last evaluated: 2025-05-01. Review status: criteria provided, single submitter. Criteria: GeneDx Variant Classification Process June 2021. Collection method: clinical testing. Allele origin: germline. Affected: yes.
Comment: Reported in heterozygous state in individuals with neurodevelopmental disorder in the published literature (PMID: 37500730); Not observed at significant frequency in large population cohorts (gnomAD); In silico analysis supports that this missense variant has a deleterious effect on protein structure/function; Missense variants in this gene are a common cause of disease and they are underrepresented in the general population; This variant is associated with the following publications: (PMID: 25979418, 37500730)

Labcorp Genetics (formerly Invitae), Labcorp
Classification: Likely pathogenic for Baraitser-Winter syndrome 1. Last evaluated: 2024-05-15. Review status: criteria provided, single submitter. Criteria: Invitae Variant Classification Sherloc (09022015). Collection method: clinical testing. Allele origin: germline.
Comment: This sequence change replaces glycine, which is neutral and non-polar, with serine, which is neutral and polar, at codon 197 of the ACTB protein (p.Gly197Ser). This variant is not present in population databases (gnomAD no frequency). This missense change has been observed in individual(s) with clinical features of ACTB-related conditions and/or clinical features of Baraitser-Winter syndrome (Invitae). In at least one individual the variant was observed to be de novo. ClinVar contains an entry for this variant (Variation ID: 522017). Advanced modeling of protein sequence and biophysical properties (such as structural, functional, and spatial information, amino acid conservation, physicochemical variation, residue mobility, and thermodynamic stability) has been performed at Invitae for this missense variant, however the output from this modeling did not meet the statistical confidence thresholds required to predict the impact of this variant on ACTB protein function. In summary, the currently available evidence indicates that the variant is pathogenic, but additional data are needed to prove that conclusively. Therefore, this variant has been classified as Likely Pathogenic.

Laboratory of Medical Genetics, University of Torino
Classification: Pathogenic for Baraitser-Winter syndrome 1. Last evaluated: 2022-11-29. Review status: criteria provided, single submitter. Criteria: ACMG Guidelines, 2015. Collection method: research. Allele origin: germline. Affected: yes. Study: NeuroWES.

Institute of Medical Genetics and Applied Genomics, University Hospital Tübingen
Classification: Likely pathogenic. Last evaluated: 2020-10-23. Review status: criteria provided, single submitter. Criteria: ACMG Guidelines, 2015. Collection method: clinical testing. Allele origin: germline. Inheritance: Unknown mechanism. Affected: yes.

Juno Genomics, Hangzhou Juno Genomics, Inc
Classification: Likely pathogenic for Baraitser-Winter syndrome 1; Becker nevus syndrome; Congenital smooth muscle hamartoma, with or without hemihypertrophy; Developmental malformations-deafness-dystonia syndrome; ACTB-associated syndromic thrombocytopenia. Review status: criteria provided, single submitter. Criteria: ACMG Guidelines, 2015. Collection method: clinical testing. Allele origin: germline.
Comment: Absent from controls (or at extremely low frequency if recessive) in Genome Aggregation Database.;Missense variant in a gene that has a low rate of benign missense variation.;The prevalence of the variant in affected individuals is significantly increased compared to the prevalence in controls.;Multiple lines of computational evidence support a deleterious effect on the gene or gene product.

Literature cited by the submitters: PubMed 25979418 (cited by Ambry Genetics).

NM_001101.5(ACTB):c.589G>A (p.Gly197Ser)

Gene: ACTB (actin beta; minus strand). Cytogenetic location: 7p22.1.
Variant type: single nucleotide variant.
Coding change: c.589G>A on transcript NM_001101.5 (MANE Select); coding-DNA position 589, G replaced by A.
Protein change: p.Gly197Ser; replaces glycine 197 with serine.
Molecular consequence: missense variant.
Genome position (GRCh38, 1-based): chr7:5,528,494, C>T on the plus strand (G>A on the coding strand, the complement: ACTB is on the minus strand). VCF-style: chr7-5528494-C-T. GRCh37 (hg19) VCF-style: chr7-5568125-C-T.
Other names: c.589G>A (LRG_132t1); short protein forms G197S.
Identifiers: ClinVar variation 522017 (VCV000522017.24), dbSNP rs1554329317, ClinGen allele CA366702576.
Genomic context (GRCh38, chr7:5,528,494, plus strand): 5'-ACAGCTTCTCCTTAATGTCACGCACGATTTCCCGCTCGGCCGTGGTGGTGAAGCTGTAGC[C>T]GCGCTCGGTGAGGATCTTCATGAGGTAGTCAGTCAGGTCCCGGCCAGCCAGGTCCAGACG-3'
Protein context (NP_001092.1, residues 187-207): DYLMKILTER[Gly197Ser]YSFTTTAERE